The following is an entry in ClinVar:

ClinVar aggregate classification (germline): Uncertain significance (1 of 4 stars; one submission).

Submission:

Labcorp Genetics (formerly Invitae), Labcorp
Classification: Uncertain significance. Last evaluated: 2024-10-28. Review status: criteria provided, single submitter. Criteria: Invitae Variant Classification Sherloc (09022015). Collection method: clinical testing. Allele origin: germline.
Comment: This sequence change replaces lysine, which is basic and polar, with threonine, which is neutral and polar, at codon 1424 of the LAMB1 protein (p.Lys1424Thr). This variant is not present in population databases (gnomAD no frequency). This variant has not been reported in the literature in individuals affected with LAMB1-related conditions. ClinVar contains an entry for this variant (Variation ID: 1978739). An algorithm developed to predict the effect of missense changes on protein structure and function (PolyPhen-2) suggests that this variant is likely to be tolerated. In summary, the available evidence is currently insufficient to determine the role of this variant in disease. Therefore, it has been classified as a Variant of Uncertain Significance.

NM_002291.3(LAMB1):c.4271A>C (p.Lys1424Thr)

Gene: LAMB1 (laminin subunit beta 1; minus strand). Cytogenetic location: 7q31.1.
Variant type: single nucleotide variant.
Coding change: c.4271A>C on transcript NM_002291.3 (MANE Select); coding-DNA position 4271, A replaced by C.
Protein change: p.Lys1424Thr; replaces lysine 1424 with threonine.
Molecular consequence: missense variant.
Genome position (GRCh38, 1-based): chr7:107,932,295, T>G on the plus strand (A>C on the coding strand, the complement: LAMB1 is on the minus strand). VCF-style: chr7-107932295-T-G. GRCh37 (hg19) VCF-style: chr7-107572740-T-G.
Other names: short protein forms K1424T.
Identifiers: ClinVar variation 1978739 (VCV001978739.4), dbSNP rs2535391595, ClinGen allele CA368864851.
Genomic context (GRCh38, chr7:107,932,295, plus strand): 5'-GCTTTCTGCCAGGCGTTGTGTGCAACAGTAACCAGACCACCACAGCCAGGCCCCCCACAC[T>G]TCCTCTCTCCTTCGTCAGTTCTGCAGTTTGGCCCGCCACATTCAGTCTCGGAACAGGAGG-3'
Protein context (NP_002282.2, residues 1414-1434): PNCRTDEGER[Lys1424Thr]CGGPGCGGLV